The following is an entry in ClinVar:

ClinVar aggregate classification (germline): Likely pathogenic (1 of 4 stars; one submission).

Conditions:
Autosomal recessive congenital ichthyosis 3 (ARCI3). Also called: ICHTHYOSIS, LAMELLAR, 5. Identifiers: MedGen C3539888, MONDO:0011680, OMIM 606545.

Submission:

Dasa
Classification: Likely pathogenic for Autosomal recessive congenital ichthyosis 3. Last evaluated: 2025-09-21. Review status: criteria provided, single submitter. Criteria: DASA Assertion Criteria. Collection method: clinical testing. Allele origin: germline.
Comment: NM_021628.3(ALOXE3):c.1525dup (p.Arg509Profs*12) is a frameshift variant in ALOXE3 predicted to alter the reading frame and introduce a premature termination codon and is predicted to result in an absent or altered protein product. Loss of function is an established disease mechanism for ALOXE3-associated disorders. Also, this variant is absent from population databases. Based on the currently available evidence, this variant is classified as likely pathogenic.

NM_021628.3(ALOXE3):c.1525dup (p.Arg509fs)

Gene: ALOXE3 (arachidonate epidermal lipoxygenase 3; minus strand). Cytogenetic location: 17p13.1.
Variant type: Duplication.
Coding change: c.1525dup on transcript NM_021628.3 (MANE Select); coding-DNA position 1525, one base duplicated (C; older notation c.1525dupC).
Protein change: p.Arg509fs; shifts the reading frame from arginine 509.
Molecular consequence: frameshift variant.
Genome position (GRCh38, 1-based): chr17:8,109,211, G duplicated on the plus strand (C on the coding strand, the reverse complement: ALOXE3 is on the minus strand); the first of 2 consecutive G bases (chr17:8,109,211-8,109,212); duplicating either gives the same sequence. VCF-style (leftmost placement, unchanged base first): chr17-8109210-C-CG. GRCh37 (hg19) VCF-style: chr17-8012528-C-CG.
Other names: c.1921dup, p.Arg641fs (NM_001165960.1); c.1522dup, p.Arg508fs (NM_001369446.1); short protein forms R508fs, R509fs, R641fs.
Identifiers: ClinVar variation 4880630 (VCV004880630.2).